The following is an entry in ClinVar:

ClinVar aggregate classification (germline): Likely benign. Review status: criteria provided, multiple submitters, no conflicts (2 of 4 stars). 2 submissions from 2 submitters: Likely benign (2). Last evaluated 2025-07-07.

Conditions:
Bethlem myopathy 1A. Also called: Bethlem Muscular Dystrophy; MYOPATHY, BENIGN CONGENITAL, WITH CONTRACTURES; Bethlem myopathy 1. Identifiers: Orphanet 610, MedGen CN029274, MONDO:0024530, OMIM 158810.

Allele frequency attached by ClinVar (database versions not stated): gnomAD exomes 0.00020 and 0.00004; ExAC 0.00029; gnomAD 0.00008 and 0.00006; TOPMed 0.00014; 1000 Genomes Project 30x 0.00016; 1000 Genomes Project 0.00020.
gnomAD v4.1: 74 of 1,584,160 alleles (0.0047%); highest among the groups gnomAD compares: East Asian, 0.14%; no homozygotes.

Submissions (2):

Labcorp Genetics (formerly Invitae), Labcorp
Classification: Likely benign for Bethlem myopathy 1A. Last evaluated: 2025-07-07. Review status: criteria provided, single submitter. Criteria: Invitae Variant Classification Sherloc (09022015). Collection method: clinical testing. Allele origin: germline.

GeneDx
Classification: Likely benign. Last evaluated: 2017-07-18. Review status: criteria provided, single submitter. Criteria: GeneDx Variant Classification (06012015). Collection method: clinical testing. Allele origin: germline. Affected: yes.
Comment: This variant is considered likely benign or benign based on one or more of the following criteria: it is a conservative change, it occurs at a poorly conserved position in the protein, it is predicted to be benign by multiple in silico algorithms, and/or has population frequency not consistent with disease.

NM_001848.3(COL6A1):c.1462-8C>T

Gene: COL6A1 (collagen type VI alpha 1 chain; plus strand). Cytogenetic location: 21q22.3.
Variant type: single nucleotide variant.
Coding change: c.1462-8C>T on transcript NM_001848.3 (MANE Select); 8 bases into the intron before coding-DNA position 1462, C replaced by T.
Molecular consequence: intron variant.
Genome position (GRCh38, 1-based): chr21:45,997,692, C>T. VCF-style: chr21-45997692-C-T. GRCh37 (hg19) VCF-style: chr21-47417606-C-T.
Identifiers: ClinVar variation 476413 (VCV000476413.12), dbSNP rs199849694, ClinGen allele CA10070346.
Genomic context (GRCh38, chr21:45,997,692, plus strand): 5'-AGGGCCCTGCTTCCCTCCAAGGTCACCATGCTAAGCCTGCTCCCCTCACGCCTCCTCTTC[C>T]TCCTCAGGGTGCCAGAGGAGCCCCAGGACCTGCCGGACCCCCTGGAGACCCGGGGCTGAT-3'